The following is an entry in ClinVar:

ClinVar aggregate classification (germline): Uncertain significance (1 of 4 stars; one submission).

Conditions:
Epilepsy, familial adult myoclonic, 5 (EPEO5). Also called: CORTICAL MYOCLONIC TREMOR WITH EPILEPSY, FAMILIAL, 5. Identifiers: Orphanet 86814, MedGen C3809374, MONDO:0014167, OMIM 615400.

Allele frequency attached by ClinVar (database versions not stated): gnomAD exomes below 0.00001.
gnomAD v4.1: 2 of 1,614,152 alleles (0.00012%); highest among the groups gnomAD compares: Non-Finnish European, 0.00017%; no homozygotes.

Submission:

Labcorp Genetics (formerly Invitae), Labcorp
Classification: Uncertain significance for Epilepsy, familial adult myoclonic, 5. Last evaluated: 2022-03-24. Review status: criteria provided, single submitter. Criteria: Invitae Variant Classification Sherloc (09022015). Collection method: clinical testing. Allele origin: germline.
Comment: This variant has not been reported in the literature in individuals affected with CNTN2-related conditions. In summary, the available evidence is currently insufficient to determine the role of this variant in disease. Therefore, it has been classified as a Variant of Uncertain Significance. Advanced modeling of protein sequence and biophysical properties (such as structural, functional, and spatial information, amino acid conservation, physicochemical variation, residue mobility, and thermodynamic stability) performed at Invitae indicates that this missense variant is not expected to disrupt CNTN2 protein function. This variant is not present in population databases (gnomAD no frequency). This sequence change replaces asparagine, which is neutral and polar, with lysine, which is basic and polar, at codon 498 of the CNTN2 protein (p.Asn498Lys).

NM_005076.5(CNTN2):c.1494C>G (p.Asn498Lys)

Gene: CNTN2 (contactin 2; plus strand). Cytogenetic location: 1q32.1.
Variant type: single nucleotide variant.
Coding change: c.1494C>G on transcript NM_005076.5 (MANE Select); coding-DNA position 1494, C replaced by G.
Protein change: p.Asn498Lys; replaces asparagine 498 with lysine.
Molecular consequence: missense variant. On other transcripts: non-coding transcript variant (1).
Genome position (GRCh38, 1-based): chr1:205,064,725, C>G. VCF-style: chr1-205064725-C-G. GRCh37 (hg19) VCF-style: chr1-205033853-C-G.
Other names: c.1494C>G, p.Asn498Lys (NM_001346083.2); short protein forms N498K.
Identifiers: ClinVar variation 2099120 (VCV002099120.4), dbSNP rs1654185527, ClinGen allele CA344375217.